The following is an entry in ClinVar:

ClinVar aggregate classification (germline): Uncertain significance (1 of 4 stars; one submission).

Conditions:
NAD(P)HX dehydratase deficiency. Also called: Encephalopathy, progressive, early-onset, with brain edema and/or leukoencephalopathy, 2. Identifiers: Orphanet 555402, MedGen C5193026, MONDO:0034121, OMIM 618321.

Submission:

Unidad de Genómica Garrahan, Hospital de Pediatría Garrahan
Classification: Uncertain significance for NAD(P)HX dehydratase deficiency. Last evaluated: 2024-07-30. Review status: criteria provided, single submitter. Criteria: ACMG Guidelines, 2015. Collection method: clinical testing. Allele origin: maternal. Inheritance: Autosomal recessive inheritance. Affected: yes. Observed: 1 compound heterozygote.
Comment: The missense variant c.269G>T, p.(Cys90Phe) was identified in compound heterozygosity with the variant c.922C>T (Clinvar ID: 617755). This variant is found at an extremely low frequency in the gnomAD population database (0.00000186), where homozygotes are not reported. It has not been previously reported in databases associated with pathologies or in the literature. In silico analysis using different predictive algorithms shows contradictory results regarding its pathogenicity. According to the ACMG criteria, the variant is classified as of uncertain significance.

NM_001242882.2(NAXD):c.269G>T (p.Cys90Phe)

Gene: NAXD (NAD(P)HX dehydratase; plus strand). Cytogenetic location: 13q34.
Variant type: single nucleotide variant.
Coding change: c.269G>T on transcript NM_001242882.2 (MANE Select); coding-DNA position 269, G replaced by T.
Protein change: p.Cys90Phe; replaces cysteine 90 with phenylalanine.
Molecular consequence: missense variant. On other transcripts: non-coding transcript variant (1), intron variant (1).
Genome position (GRCh38, 1-based): chr13:110,625,215, G>T. VCF-style: chr13-110625215-G-T. GRCh37 (hg19) VCF-style: chr13-111277562-G-T.
Other names: c.323G>T, p.Cys108Phe (NM_001242881.2, NM_018210.4); c.57-2224G>T (NM_001242883.2); short protein forms C108F, C90F.
Identifiers: ClinVar variation 3256536 (VCV003256536.2).
Genomic context (GRCh38, chr13:110,625,215, plus strand): 5'-GATCCCTGAGTCGGCCTCTTGTGCTCCTTCATCAGGGCGCAGACTTGTCCCACGTGTTCT[G>T]TGCCAGTGCGGCCGCACCTGTGATTAAGGCCTACAGCCCGGAGCTGATCGTCCACCCAGT-3'
Protein context (NP_001229811.1, residues 80-100): KVGADLSHVF[Cys90Phe]ASAAAPVIKA